The following is an entry in ClinVar:

ClinVar aggregate classification (germline): Uncertain significance (1 of 4 stars; one submission).

Allele frequency attached by ClinVar (database versions not stated): ExAC 0.00001; gnomAD exomes 0.00002; gnomAD 0.00003; TOPMed 0.00003.
gnomAD v4.1: 38 of 1,612,372 alleles (0.0024%); highest among the groups gnomAD compares: Admixed American, 0.012%; no homozygotes.

Submission:

Ambry Genetics
Classification: Uncertain significance. Last evaluated: 2024-10-11. Review status: criteria provided, single submitter. Criteria: Ambry Variant Classification Scheme 2023. Collection method: clinical testing. Allele origin: germline.
Comment: The p.L81P variant (also known as c.242T>C), located in coding exon 2 of the POLQ gene, results from a T to C substitution at nucleotide position 242. The leucine at codon 81 is replaced by proline, an amino acid with similar properties. This amino acid position is conserved. In addition, this alteration is predicted to be tolerated by in silico analysis. Since supporting evidence is limited at this time, the clinical significance of this alteration remains unclear.

NM_199420.4(POLQ):c.242T>C (p.Leu81Pro)

Gene: POLQ (DNA polymerase theta; minus strand). Cytogenetic location: 3q13.33.
Variant type: single nucleotide variant.
Coding change: c.242T>C on transcript NM_199420.4 (MANE Select); coding-DNA position 242, T replaced by C.
Protein change: p.Leu81Pro; replaces leucine 81 with proline.
Molecular consequence: missense variant.
Genome position (GRCh38, 1-based): chr3:121,544,828, A>G on the plus strand (T>C on the coding strand, the complement: POLQ is on the minus strand). VCF-style: chr3-121544828-A-G. GRCh37 (hg19) VCF-style: chr3-121263675-A-G.
Other names: short protein forms L81P.
Identifiers: ClinVar variation 1791154 (VCV001791154.3), dbSNP rs764095263, ClinGen allele CA2563874.